The following is an entry in ClinVar:

NM_003482.4(KMT2D):c.4442G>A (p.Gly1481Glu)

Gene: KMT2D (lysine methyltransferase 2D; minus strand). Cytogenetic location: 12q13.12.
Variant type: single nucleotide variant.
Coding change: c.4442G>A on transcript NM_003482.4 (MANE Select); coding-DNA position 4442, G replaced by A.
Protein change: p.Gly1481Glu; replaces glycine 1481 with glutamic acid.
Molecular consequence: missense variant.
Genome position (GRCh38, 1-based): chr12:49,046,401, C>T on the plus strand (G>A on the coding strand, the complement: KMT2D is on the minus strand). VCF-style: chr12-49046401-C-T. GRCh37 (hg19) VCF-style: chr12-49440184-C-T.
Other names: short protein forms G1481E.
Identifiers: ClinVar variation 1315191 (VCV001315191.2), dbSNP rs2120605708, ClinGen allele CA384646068.

ClinVar aggregate classification (germline): Uncertain significance (1 of 4 stars; one submission).

Submission:

GeneDx
Classification: Uncertain significance. Last evaluated: 2020-02-14. Review status: criteria provided, single submitter. Criteria: GeneDx Variant Classification Process June 2021. Collection method: clinical testing. Allele origin: germline. Affected: yes.
Comment: Has not been previously published as pathogenic or benign to our knowledge; Not observed in large population cohorts (Lek et al., 2016); In silico analysis supports that this missense variant has a deleterious effect on protein structure/function